The following is an entry in ClinVar:

NM_014780.5(CUL7):c.2767G>A (p.Val923Met)

Gene: CUL7 (cullin 7; minus strand). Cytogenetic location: 6p21.1.
Variant type: single nucleotide variant.
Coding change: c.2767G>A on transcript NM_014780.5 (MANE Select); coding-DNA position 2767, G replaced by A.
Protein change: p.Val923Met; replaces valine 923 with methionine.
Molecular consequence: missense variant.
Genome position (GRCh38, 1-based): chr6:43,045,682, C>T on the plus strand (G>A on the coding strand, the complement: CUL7 is on the minus strand). VCF-style: chr6-43045682-C-T. GRCh37 (hg19) VCF-style: chr6-43013420-C-T.
Other names: c.2863G>A, p.Val955Met (NM_001168370.2, NM_001374872.1); c.2767G>A, p.Val923Met (NM_001374873.1, NM_001374874.1); short protein forms V955M, V923M.
Identifiers: ClinVar variation 1516389 (VCV001516389.6), dbSNP rs2150322087, ClinGen allele CA364210776.
Genomic context (GRCh38, chr6:43,045,682, plus strand): 5'-GCCAGAAGCGGGTCAGGTTCTCCAGGAGGATCACCCGGCTGGCAGAGGGCATCACATTCA[C>T]CTGGCAGGGGGCAGAGAAAGCTGTCACCTCCACACATGCAGAGCCAAGTTGGCTCTAGGC-3'
Protein context (NP_055595.2, residues 913-933): TSSLHTELNS[Val923Met]NVMPSASRVI

ClinVar aggregate classification (germline): Uncertain significance (1 of 4 stars; one submission).

Submission:

Labcorp Genetics (formerly Invitae), Labcorp
Classification: Uncertain significance. Last evaluated: 2021-09-05. Review status: criteria provided, single submitter. Criteria: Invitae Variant Classification Sherloc (09022015). Collection method: clinical testing. Allele origin: germline.
Comment: In summary, the available evidence is currently insufficient to determine the role of this variant in disease. Therefore, it has been classified as a Variant of Uncertain Significance. Algorithms developed to predict the effect of missense changes on protein structure and function are either unavailable or do not agree on the potential impact of this missense change (SIFT: "Deleterious"; PolyPhen-2: "Probably Damaging"; Align-GVGD: "Class C15"). This variant has not been reported in the literature in individuals affected with CUL7-related conditions. This variant is not present in population databases (ExAC no frequency). This sequence change replaces valine with methionine at codon 923 of the CUL7 protein (p.Val923Met). The valine residue is highly conserved and there is a small physicochemical difference between valine and methionine.